The following is an entry in ClinVar:

NM_031924.8(RSPH3):c.492+4C>T

Gene: RSPH3 (radial spoke head 3; minus strand). Cytogenetic location: 6q25.3.
Variant type: single nucleotide variant.
Coding change: c.492+4C>T on transcript NM_031924.8 (MANE Select); 4 bases into the intron after coding-DNA position 492, C replaced by T.
Molecular consequence: intron variant.
Genome position (GRCh38, 1-based): chr6:158,983,658, G>A on the plus strand (C>T on the coding strand, the complement: RSPH3 is on the minus strand). VCF-style: chr6-158983658-G-A. GRCh37 (hg19) VCF-style: chr6-159404690-G-A.
Other names: c.631-970C>T (NM_001346418.1).
Identifiers: ClinVar variation 2098822 (VCV002098822.4), dbSNP rs2484884500, ClinGen allele CA2578784811.
Genomic context (GRCh38, chr6:158,983,658, plus strand): 5'-ATCTACACCTAACTTTACCTCATTTATAAAGATTATAGAGGGAAGCCCAAAGGATGTACT[G>A]TACCTCTCCTTCTAGTATTTGGGTGGCCACATCTTTGCCAGTTTTGGCAGGAATAAAGAG-3'

ClinVar aggregate classification (germline): Uncertain significance (1 of 4 stars; one submission).

Conditions:
Primary ciliary dyskinesia 32. Also called: CILIARY DYSKINESIA, PRIMARY, 32, WITHOUT SITUS INVERSUS. Identifiers: Orphanet 244, MedGen C4225311, MONDO:0014657, OMIM 616481.

Allele frequency attached by ClinVar (database versions not stated): gnomAD exomes below 0.00001.
gnomAD v4.1: 3 of 1,609,562 alleles (0.00019%); highest among the groups gnomAD compares: Non-Finnish European, 0.00026%; no homozygotes.

Submission:

Labcorp Genetics (formerly Invitae), Labcorp
Classification: Uncertain significance for Primary ciliary dyskinesia 32. Last evaluated: 2022-04-18. Review status: criteria provided, single submitter. Criteria: Invitae Variant Classification Sherloc (09022015). Collection method: clinical testing. Allele origin: germline.
Comment: This variant is not present in population databases (gnomAD no frequency). This variant has not been reported in the literature in individuals affected with RSPH3-related conditions. Variants that disrupt the consensus splice site are a relatively common cause of aberrant splicing (PMID: 17576681, 9536098). Algorithms developed to predict the effect of sequence changes on RNA splicing suggest that this variant is not likely to affect RNA splicing. In summary, the available evidence is currently insufficient to determine the role of this variant in disease. Therefore, it has been classified as a Variant of Uncertain Significance. This sequence change falls in intron 4 of the RSPH3 gene. It does not directly change the encoded amino acid sequence of the RSPH3 protein. It affects a nucleotide within the consensus splice site.

Literature cited by the submitters: PubMed 17576681; PubMed 9536098.